The following is an entry in ClinVar:

NM_000092.5(COL4A4):c.1100-20T>G

Gene: COL4A4 (collagen type IV alpha 4 chain; minus strand). Cytogenetic location: 2q36.3.
Variant type: single nucleotide variant.
Coding change: c.1100-20T>G on transcript NM_000092.5 (MANE Select); 20 bases into the intron before coding-DNA position 1100, T replaced by G.
Molecular consequence: intron variant.
Genome position (GRCh38, 1-based): chr2:227,098,818, A>C on the plus strand (T>G on the coding strand, the complement: COL4A4 is on the minus strand). VCF-style: chr2-227098818-A-C. GRCh37 (hg19) VCF-style: chr2-227963534-A-C.
Identifiers: ClinVar variation 2744662 (VCV002744662.3), dbSNP rs2475424267, ClinGen allele CA2697550511.

ClinVar aggregate classification (germline): Uncertain significance (1 of 4 stars; one submission).

Submission:

Labcorp Genetics (formerly Invitae), Labcorp
Classification: Uncertain significance. Last evaluated: 2023-10-06. Review status: criteria provided, single submitter. Criteria: Invitae Variant Classification Sherloc (09022015). Collection method: clinical testing. Allele origin: germline.
Comment: This sequence change falls in intron 18 of the COL4A4 gene. It does not directly change the encoded amino acid sequence of the COL4A4 protein. This variant is not present in population databases (gnomAD no frequency). This variant has not been reported in the literature in individuals affected with COL4A4-related conditions. Algorithms developed to predict the effect of sequence changes on RNA splicing suggest that this variant may disrupt the consensus splice site. In summary, the available evidence is currently insufficient to determine the role of this variant in disease. Therefore, it has been classified as a Variant of Uncertain Significance.